The following is an entry in ClinVar:

NM_006059.4(LAMC3):c.4318G>C (p.Ala1440Pro)

Gene: LAMC3 (laminin subunit gamma 3; plus strand). Cytogenetic location: 9q34.12.
Variant type: single nucleotide variant.
Coding change: c.4318G>C on transcript NM_006059.4 (MANE Select); coding-DNA position 4318, G replaced by C.
Protein change: p.Ala1440Pro; replaces alanine 1440 with proline.
Molecular consequence: missense variant.
Genome position (GRCh38, 1-based): chr9:131,087,563, G>C. VCF-style: chr9-131087563-G-C. GRCh37 (hg19) VCF-style: chr9-133962950-G-C.
Other names: short protein forms A1440P.
Identifiers: ClinVar variation 1470051 (VCV001470051.4), dbSNP rs200779050, ClinGen allele CA5288126.

ClinVar aggregate classification (germline): Uncertain significance (1 of 4 stars; one submission).

Allele frequency attached by ClinVar (database versions not stated): gnomAD exomes 0.00001 and 0.00003; ExAC 0.00002; gnomAD 0.00002; TOPMed 0.00002.
gnomAD v4.1: 11 of 1,613,866 alleles (0.00068%); highest among the groups gnomAD compares: Admixed American, 0.018%; no homozygotes.

Submission:

Labcorp Genetics (formerly Invitae), Labcorp
Classification: Uncertain significance. Last evaluated: 2024-11-11. Review status: criteria provided, single submitter. Criteria: Invitae Variant Classification Sherloc (09022015). Collection method: clinical testing. Allele origin: germline.
Comment: This sequence change replaces alanine, which is neutral and non-polar, with proline, which is neutral and non-polar, at codon 1440 of the LAMC3 protein (p.Ala1440Pro). This variant is present in population databases (rs200779050, gnomAD 0.02%). This variant has not been reported in the literature in individuals affected with LAMC3-related conditions. ClinVar contains an entry for this variant (Variation ID: 1470051). An algorithm developed to predict the effect of missense changes on protein structure and function (PolyPhen-2) suggests that this variant is likely to be disruptive. In summary, the available evidence is currently insufficient to determine the role of this variant in disease. Therefore, it has been classified as a Variant of Uncertain Significance.